The following is an entry in ClinVar:

NM_000377.3(WAS):c.1020_1047del (p.Leu342fs)

Gene: WAS (WASP actin nucleation promoting factor; plus strand). Cytogenetic location: Xp11.23.
Variant type: Deletion.
Coding change: c.1020_1047del on transcript NM_000377.3 (MANE Select); coding-DNA positions 1020 to 1047, 28 bases deleted (TCCACTGCCCCCTGTACCTTTGGGGATT).
Protein change: p.Leu342fs; shifts the reading frame from leucine 342.
Molecular consequence: frameshift variant.
Genome position (GRCh38, 1-based): chrX:48,688,748-48,688,775, TCCACTGCCCCCTGTACCTTTGGGGATT deleted. VCF-style (leftmost placement, unchanged base first): chrX-48688747-GTCCACTGCCCCCTGTACCTTTGGGGATT-G. GRCh37 (hg19) VCF-style: chrX-48547136-GTCCACTGCCCCCTGTACCTTTGGGGATT-G.
Other names: short protein forms L342fs.
Identifiers: ClinVar variation 3767098 (VCV003767098.2).

ClinVar aggregate classification (germline): Pathogenic (1 of 4 stars; one submission).

Conditions:
X-linked severe congenital neutropenia (SCNX). Identifiers: Orphanet 86788, MedGen C1845987, MONDO:0010294, OMIM 300299.
Thrombocytopenia 1. Also called: THROMBOCYTOPENIA, X-LINKED, 1; X-linked thrombocytopenia with normal platelets; X-Linked Thrombocytopenia (XLT). Identifiers: Orphanet 268322, Orphanet 852, MedGen C1839163, MONDO:0010743, OMIM 313900.
Wiskott-Aldrich syndrome (WAS). Also called: ALDRICH SYNDROME; IMMUNODEFICIENCY 2; Wiskott-aldrich syndrome, somatic; WISKOTT-ALDRICH SYNDROME 1. Identifiers: Orphanet 906, MedGen C0043194, MONDO:0010518, OMIM 301000.

Submission:

Juno Genomics, Hangzhou Juno Genomics, Inc
Classification: Pathogenic for X-linked severe congenital neutropenia; Thrombocytopenia 1; Wiskott-Aldrich syndrome. Review status: criteria provided, single submitter. Criteria: ACMG Guidelines, 2015. Collection method: clinical testing. Allele origin: germline. Affected: yes.
Comment: Absent from controls (or at extremely low frequency if recessive) in Genome Aggregation Database, Exome Sequencing Project, 1000 Genomes Project, or Exome Aggregation Consortium.;Null variant in a gene where loss of function (LOF) is a known mechanism of disease.;Patient's phenotype or family history is highly specific for a disease with a single genetic etiology.